The following is an entry in ClinVar:

ClinVar aggregate classification (germline): Likely pathogenic. Review status: criteria provided, multiple submitters, no conflicts (2 of 4 stars). 2 submissions from 2 submitters: Likely pathogenic (2). Last evaluated 2023-01-12.

Conditions:
Pyruvate dehydrogenase E3 deficiency (DLDD). Also called: Dihydrolipoamide Dehydrogenase (E3) Deficiency; Dihydrolipoamide Dehydrogenase E3 Deficiency; Dihydrolipoamide Dehydrogenase Deficiency; Lipoamide dehydrogenase deficiency, lactic acidosis due to; Lipoamide dehydrogenase deficiency; DLD DEFICIENCY. Identifiers: Orphanet 2394, Orphanet 765, MedGen C5574660, MONDO:0009529, OMIM 246900.

Allele frequency attached by ClinVar (database versions not stated): gnomAD exomes below 0.00001.
gnomAD v4.1: 1 of 1,612,708 alleles (0.000062%); highest among the groups gnomAD compares: Non-Finnish European, 0.000085%; no homozygotes.

Submissions (2):

Baylor Genetics
Classification: Likely pathogenic for Pyruvate dehydrogenase E3 deficiency. Last evaluated: 2023-01-12. Review status: criteria provided, single submitter. Criteria: ACMG Guidelines, 2015. Collection method: clinical testing. Allele origin: unknown.

Labcorp Genetics (formerly Invitae), Labcorp
Classification: Likely pathogenic for Pyruvate dehydrogenase E3 deficiency. Last evaluated: 2021-12-13. Review status: criteria provided, single submitter. Criteria: Invitae Variant Classification Sherloc (09022015). Collection method: clinical testing. Allele origin: germline.
Comment: In summary, the currently available evidence indicates that the variant is pathogenic, but additional data are needed to prove that conclusively. Therefore, this variant has been classified as Likely Pathogenic. Algorithms developed to predict the effect of sequence changes on RNA splicing suggest that this variant may disrupt the consensus splice site. This variant has not been reported in the literature in individuals affected with DLD-related conditions. This variant is not present in population databases (gnomAD no frequency). This sequence change affects an acceptor splice site in intron 1 of the DLD gene. It is expected to disrupt RNA splicing. Variants that disrupt the donor or acceptor splice site typically lead to a loss of protein function (PMID: 16199547), and loss-of-function variants in DLD are known to be pathogenic (PMID: 8968745, 9934985).

Literature cited by the submitters: PubMed 16199547 (cited by Labcorp Genetics (formerly Invitae), Labcorp); PubMed 8968745 (cited by Labcorp Genetics (formerly Invitae), Labcorp); PubMed 9934985 (cited by Labcorp Genetics (formerly Invitae), Labcorp).

NM_000108.5(DLD):c.40-2A>G

Gene: DLD (dihydrolipoamide dehydrogenase; plus strand). Cytogenetic location: 7q31.1.
Variant type: single nucleotide variant.
Coding change: c.40-2A>G on transcript NM_000108.5 (MANE Select); the canonical splice acceptor site of the intron before coding-DNA position 40, A replaced by G.
Molecular consequence: splice acceptor variant.
Genome position (GRCh38, 1-based): chr7:107,893,198, A>G. VCF-style: chr7-107893198-A-G. GRCh37 (hg19) VCF-style: chr7-107533643-A-G.
Other names: c.40-2A>G (NM_001289752.1, NM_001289751.1); c.-109-2A>G (NM_001289750.1).
Identifiers: ClinVar variation 2027803 (VCV002027803.5), dbSNP rs2535560836, ClinGen allele CA368852906.